The following is an entry in ClinVar:

NM_001080414.4(CCDC88C):c.5639C>T (p.Pro1880Leu)

Gene: CCDC88C (coiled-coil domain containing 88C; minus strand). Cytogenetic location: 14q32.11.
Variant type: single nucleotide variant.
Coding change: c.5639C>T on transcript NM_001080414.4 (MANE Select); coding-DNA position 5639, C replaced by T.
Protein change: p.Pro1880Leu; replaces proline 1880 with leucine.
Molecular consequence: missense variant.
Genome position (GRCh38, 1-based): chr14:91,273,073, G>A on the plus strand (C>T on the coding strand, the complement: CCDC88C is on the minus strand). VCF-style: chr14-91273073-G-A. GRCh37 (hg19) VCF-style: chr14-91739417-G-A.
Other names: short protein forms P1880L.
Identifiers: ClinVar variation 1686712 (VCV001686712.5), dbSNP rs749124708, ClinGen allele CA7308619.
Genomic context (GRCh38, chr14:91,273,073, plus strand): 5'-TGCAGGGGGGCCAGCCTCTCCTCCTTTGGGGGAGCCAGGGAGAAGCGCCTCGTGTCCAGC[G>A]GCCGGCTGCGGGGACCTGGGCCCTGACAGGAGCTGCCAGCCTTTCCCACAAGTGGGGTCC-3'
Protein context (NP_001073883.2, residues 1870-1890): SCQGPGPRSR[Pro1880Leu]LDTRRFSLAP

ClinVar aggregate classification (germline): Uncertain significance. Review status: criteria provided, multiple submitters, no conflicts (2 of 4 stars). 3 submissions from 3 submitters: Uncertain significance (3). Last evaluated 2022-10-17.

Conditions:
Inborn genetic diseases. Identifiers: MedGen C0950123, MeSH D030342.

Allele frequency attached by ClinVar (database versions not stated): gnomAD 0.00001 and 0.00002; TOPMed 0.00001; gnomAD exomes 0.00004; ExAC 0.00006.
gnomAD v4.1: 31 of 1,559,342 alleles (0.002%); highest among the groups gnomAD compares: Admixed American, 0.017%; no homozygotes.

Submissions (3):

Labcorp Genetics (formerly Invitae), Labcorp
Classification: Uncertain significance. Last evaluated: 2022-10-17. Review status: criteria provided, single submitter. Criteria: Invitae Variant Classification Sherloc (09022015). Collection method: clinical testing. Allele origin: germline.
Comment: This sequence change replaces proline, which is neutral and non-polar, with leucine, which is neutral and non-polar, at codon 1880 of the CCDC88C protein (p.Pro1880Leu). This variant is present in population databases (rs749124708, gnomAD 0.02%). This variant has not been reported in the literature in individuals affected with CCDC88C-related conditions. ClinVar contains an entry for this variant (Variation ID: 1686712). Algorithms developed to predict the effect of missense changes on protein structure and function are either unavailable or do not agree on the potential impact of this missense change (SIFT: "Deleterious"; PolyPhen-2: "Benign"; Align-GVGD: "Class C0"). In summary, the available evidence is currently insufficient to determine the role of this variant in disease. Therefore, it has been classified as a Variant of Uncertain Significance.

GeneDx
Classification: Uncertain significance. Last evaluated: 2021-11-18. Review status: criteria provided, single submitter. Criteria: GeneDx Variant Classification Process June 2021. Collection method: clinical testing. Allele origin: germline. Affected: yes.
Comment: In silico analysis supports that this missense variant has a deleterious effect on protein structure/function; Has not been previously published as pathogenic or benign to our knowledge

Ambry Genetics
Classification: Uncertain significance for Inborn genetic diseases. Last evaluated: 2021-02-11. Review status: criteria provided, single submitter. Criteria: Ambry Variant Classification Scheme 2023. Collection method: clinical testing. Allele origin: germline.
Comment: The c.5639C>T (p.P1880L) alteration is located in exon 30 (coding exon 30) of the CCDC88C gene. This alteration results from a C to T substitution at nucleotide position 5639, causing the proline (P) at amino acid position 1880 to be replaced by a leucine (L). The p.P1880L alteration is predicted to be tolerated by in silico analysis. Based on insufficient or conflicting evidence, the clinical significance of this alteration remains unclear.